The following is an entry in ClinVar:

ClinVar aggregate classification (germline): Likely benign (1 of 4 stars; one submission).

Conditions:
PEAK1-related disorder. Also called: PEAK1-related condition.

gnomAD v4.1: 1,675 of 1,613,704 alleles (0.1%); highest among the groups gnomAD compares: African/African-American, 1.8%; 10 homozygotes.

Submission:

PreventionGenetics, part of Exact Sciences
Classification: Likely benign for PEAK1-related condition. Last evaluated: 2025-09-17. Review status: criteria provided, single submitter. Criteria: ACMG Guidelines, 2015. Collection method: clinical testing. Allele origin: germline.
Comment: This variant is classified as likely benign based on ACMG/AMP sequence variant interpretation guidelines (Richards et al. 2015 PMID: 25741868, with internal and published modifications).

NM_001385026.1(PEAK1):c.5232G>A (p.Gln1744=)

Gene: PEAK1 (pseudopodium enriched atypical kinase 1; minus strand). Cytogenetic location: 15q24.3.
Variant type: single nucleotide variant.
Coding change: c.5232G>A on transcript NM_001385026.1 (MANE Select); coding-DNA position 5232, G replaced by A.
Protein change: p.Gln1744=; no amino-acid change (glutamine 1744 retained).
Molecular consequence: synonymous variant.
Genome position (GRCh38, 1-based): chr15:77,114,165, C>T on the plus strand (G>A on the coding strand, the complement: PEAK1 is on the minus strand). VCF-style: chr15-77114165-C-T. GRCh37 (hg19) VCF-style: chr15-77406507-C-T.
Other names: c.5232G>A, p.Gln1744= (NM_001387085.1, NM_001387086.1, NM_024776.5).
Identifiers: ClinVar variation 4987427 (VCV004987427.1).